The following is an entry in ClinVar:

ClinVar aggregate classification (germline): Uncertain significance. Review status: criteria provided, multiple submitters, no conflicts (2 of 4 stars). 2 submissions from 2 submitters: Uncertain significance (2). Last evaluated 2025-06-22.

Conditions:
Hereditary cancer-predisposing syndrome. Also called: Hereditary Cancer Syndrome; Tumor predisposition; Hereditary neoplastic syndrome; Neoplastic Syndromes, Hereditary. Identifiers: Orphanet 140162, MedGen C0027672, MeSH D009386, MONDO:0015356.
Tuberous sclerosis 2 (TSC2). Identifiers: Orphanet 805, MedGen C1860707, MONDO:0013199, OMIM 613254.

Allele frequency attached by ClinVar (database versions not stated): gnomAD exomes 0.00001.
gnomAD v4.1: 7 of 1,613,746 alleles (0.00043%); highest among the groups gnomAD compares: Non-Finnish European, 0.00059%; no homozygotes.

Submissions (2):

Ambry Genetics
Classification: Uncertain significance for Hereditary cancer-predisposing syndrome. Last evaluated: 2025-06-22. Review status: criteria provided, single submitter. Criteria: Ambry Variant Classification Scheme 2023. Collection method: clinical testing. Allele origin: germline.
Comment: The p.A563V variant (also known as c.1688C>T), located in coding exon 15 of the TSC2 gene, results from a C to T substitution at nucleotide position 1688. The alanine at codon 563 is replaced by valine, an amino acid with similar properties. This amino acid position is conserved. In addition, the in silico prediction for this alteration is inconclusive. Based on the available evidence, the clinical significance of this variant remains unclear.

Labcorp Genetics (formerly Invitae), Labcorp
Classification: Uncertain significance for Tuberous sclerosis 2. Last evaluated: 2022-05-29. Review status: criteria provided, single submitter. Criteria: Invitae Variant Classification Sherloc (09022015). Collection method: clinical testing. Allele origin: germline.
Comment: In summary, the available evidence is currently insufficient to determine the role of this variant in disease. Therefore, it has been classified as a Variant of Uncertain Significance. Advanced modeling of protein sequence and biophysical properties (such as structural, functional, and spatial information, amino acid conservation, physicochemical variation, residue mobility, and thermodynamic stability) performed at Invitae indicates that this missense variant is not expected to disrupt TSC2 protein function. This variant has not been reported in the literature in individuals affected with TSC2-related conditions. This variant is not present in population databases (gnomAD no frequency). This sequence change replaces alanine, which is neutral and non-polar, with valine, which is neutral and non-polar, at codon 563 of the TSC2 protein (p.Ala563Val).

NM_000548.5(TSC2):c.1688C>T (p.Ala563Val)

Gene: TSC2 (TSC complex subunit 2; plus strand). Cytogenetic location: 16p13.3.
Variant type: single nucleotide variant.
Coding change: c.1688C>T on transcript NM_000548.5 (MANE Select); coding-DNA position 1688, C replaced by T.
Protein change: p.Ala563Val; replaces alanine 563 with valine.
Molecular consequence: missense variant.
Genome position (GRCh38, 1-based): chr16:2,065,607, C>T. VCF-style: chr16-2065607-C-T. GRCh37 (hg19) VCF-style: chr16-2115608-C-T.
Other names: c.1688C>T, p.Ala563Val (NM_001077183.3, NM_001114382.3, NM_001363528.2 and 6 more transcripts); c.1577C>T, p.Ala526Val (NM_001318827.2, NM_001406670.1, NM_001406678.1); c.1541C>T, p.Ala514Val (NM_001318829.2, NM_001406675.1, NM_001406676.1 and 1 more transcripts); c.1088C>T, p.Ala363Val (NM_001318831.2, NM_001406687.1, NM_001406688.1 and 6 more transcripts); c.1721C>T, p.Ala574Val (NM_001318832.2); c.1778C>T, p.Ala593Val (NM_001406667.1, NM_001406668.1); c.1676C>T, p.Ala559Val (NM_001406671.1, NM_001406673.1); c.344C>T, p.Ala115Val (NM_001406689.1, NM_001406690.1, NM_001406691.1 and 6 more transcripts); and 3 more; short protein forms A29V, A409V, A514V, A574V, A593V, A115V, A363V, A559V.
Identifiers: ClinVar variation 2000619 (VCV002000619.5), dbSNP rs2151209815, ClinGen allele CA394270554.